The following is an entry in ClinVar:

NM_001367561.1(DOCK7):c.749G>T (p.Arg250Leu)

Gene: DOCK7 (dedicator of cytokinesis 7; minus strand). Cytogenetic location: 1p31.3.
Variant type: single nucleotide variant.
Coding change: c.749G>T on transcript NM_001367561.1 (MANE Select); coding-DNA position 749, G replaced by T.
Protein change: p.Arg250Leu; replaces arginine 250 with leucine.
Molecular consequence: missense variant.
Genome position (GRCh38, 1-based): chr1:62,647,760, C>A on the plus strand (G>T on the coding strand, the complement: DOCK7 is on the minus strand). VCF-style: chr1-62647760-C-A. GRCh37 (hg19) VCF-style: chr1-63113431-C-A.
Other names: c.749G>T, p.Arg250Leu (NM_001271999.2, NM_001272000.2, NM_001272001.2 and 3 more transcripts); short protein forms R250L.
Identifiers: ClinVar variation 1470529 (VCV001470529.6), dbSNP rs750570185, ClinGen allele CA340626557.

ClinVar aggregate classification (germline): Uncertain significance (1 of 4 stars; one submission).

Conditions:
Developmental and epileptic encephalopathy, 23 (DEE23). Also called: Epileptic encephalopathy, early infantile, 23. Identifiers: Orphanet 411986, MedGen C4014492, MONDO:0014371, OMIM 615859.

Submission:

Labcorp Genetics (formerly Invitae), Labcorp
Classification: Uncertain significance for Developmental and epileptic encephalopathy, 23. Last evaluated: 2021-10-11. Review status: criteria provided, single submitter. Criteria: Invitae Variant Classification Sherloc (09022015). Collection method: clinical testing. Allele origin: germline.
Comment: In summary, the available evidence is currently insufficient to determine the role of this variant in disease. Therefore, it has been classified as a Variant of Uncertain Significance. Algorithms developed to predict the effect of missense changes on protein structure and function are either unavailable or do not agree on the potential impact of this missense change (SIFT: "Deleterious"; PolyPhen-2: "Probably Damaging"; Align-GVGD: "Class C0"). This variant has not been reported in the literature in individuals affected with DOCK7-related conditions. This variant is not present in population databases (ExAC no frequency). This sequence change replaces arginine with leucine at codon 250 of the DOCK7 protein (p.Arg250Leu). The arginine residue is highly conserved and there is a moderate physicochemical difference between arginine and leucine.